The following is an entry in ClinVar:

NM_012275.3(IL36RN):c.*222T>C

Gene: IL36RN (interleukin 36 receptor antagonist; plus strand). Cytogenetic location: 2q14.1.
Variant type: single nucleotide variant.
Coding change: c.*222T>C on transcript NM_012275.3 (MANE Select); 222 bases downstream of the stop codon, T replaced by C.
Molecular consequence: 3 prime UTR variant.
Genome position (GRCh38, 1-based): chr2:113,062,899, T>C. VCF-style: chr2-113062899-T-C. GRCh37 (hg19) VCF-style: chr2-113820476-T-C.
Other names: c.*222T>C (NM_173170.1).
Identifiers: ClinVar variation 330783 (VCV000330783.7), dbSNP rs2515401, ClinGen allele CA10611806.

ClinVar aggregate classification (germline): Conflicting classifications of pathogenicity. Review status: criteria provided, conflicting classifications (1 of 4 stars). 3 submissions from 3 submitters: Uncertain significance (1); Benign (2). Last evaluated 2018-01-13.

Conditions:
Acrodermatitis continua suppurativa of Hallopeau (PSORS14). Also called: INTERLEUKIN 36 RECEPTOR ANTAGONIST DEFICIENCY; ACRODERMATITIS CONTINUA OF HALLOPEAU; Psoriasis 14, pustular. Identifiers: Orphanet 163931, MedGen C0392439, MONDO:0013626, OMIM 614204.
Generalized pustular psoriasis. Identifiers: Orphanet 247353, MedGen C0343055, MONDO:0100491.

Allele frequency attached by ClinVar (database versions not stated): gnomAD 0.64643 and 0.65130; TOPMed 0.65790; 1000 Genomes Project 30x 0.71393; 1000 Genomes Project 0.71526.
gnomAD v4.1: 381,409 of 588,930 alleles (65%); highest among the groups gnomAD compares: South Asian, 80%; 125,218 homozygotes.

Submissions (3):

Illumina Laboratory Services, Illumina
Classification: Benign for Acrodermatitis continua suppurativa of Hallopeau. Last evaluated: 2018-01-13. Review status: criteria provided, single submitter. Criteria: ICSL Variant Classification Criteria 13 December 2019. Collection method: clinical testing. Allele origin: germline.
Comment: This variant was observed in the ICSL laboratory as part of a predisposition screen in an ostensibly healthy population. It had not been previously curated by ICSL or reported in the Human Gene Mutation Database (HGMD: prior to June 1st, 2018), and was therefore a candidate for classification through an automated scoring system. Utilizing variant allele frequency, disease prevalence and penetrance estimates, and inheritance mode, an automated score was calculated to assess if this variant is too frequent to cause the disease. Based on the score and internal cut-off values, a variant classified as benign is not then subjected to further curation. The score for this variant resulted in a classification of benign for this disease.

Breakthrough Genomics
Classification: Benign. Review status: criteria provided, single submitter. Criteria: ACMG Guidelines, 2015. Collection method: not provided. Allele origin: germline. Inheritance: Autosomal recessive inheritance. Affected: yes.

Clinical Genomics, Uppaluri K&H Personalized Medicine Clinic
Classification: Uncertain significance for Acrodermatitis continua suppurativa of Hallopeau. Review status: criteria provided, single submitter. Criteria: K &amp; H Uppaluri Personalized Medicine Clinic Variant Classification &amp; Assertion Criteria_Updated V.1. Collection method: clinical testing. Allele origin: germline. Inheritance: Autosomal recessive inheritance. Affected: yes. Observed: 1 heterozygote.
Comment: Patients with Generalized pustular Psoriasis, with certain mutations, respond very well to IL-1 antagonists like Anakinra, as IL36RN mutations upregulate IL-1. IL36RN gene encodes IL-36 receptor antagonist (IL-36Ra), which is required for subsequent activation of intracellular NF-κB and mitogen-activated protein kinase pathways. However, the role of rs2515401 is yet to be ascertained.

Literature cited by the submitters: PubMed 27220475 (cited by Clinical Genomics, Uppaluri K&H Personalized Medicine Clinic); PubMed 24656634 (cited by Clinical Genomics, Uppaluri K&H Personalized Medicine Clinic); PubMed 34903506 (cited by Clinical Genomics, Uppaluri K&H Personalized Medicine Clinic).